The following is an entry in ClinVar:

NM_153240.5(NPHP3):c.2571-7T>C

Genes: NPHP3 (nephrocystin 3; minus strand), NPHP3-ACAD11 (NPHP3-ACAD11 readthrough (NMD candidate); minus strand). Cytogenetic location: 3q22.1.
Variant type: single nucleotide variant.
Coding change: c.2571-7T>C on transcript NM_153240.5 (MANE Select); 7 bases into the intron before coding-DNA position 2571, T replaced by C.
Molecular consequence: intron variant.
Genome position (GRCh38, 1-based): chr3:132,690,657, A>G on the plus strand (T>C on the coding strand, the complement: NPHP3 is on the minus strand). VCF-style: chr3-132690657-A-G. GRCh37 (hg19) VCF-style: chr3-132409501-A-G.
Other names: p.?.
Identifiers: ClinVar variation 96512 (VCV000096512.25), dbSNP rs62292468, ClinGen allele CA149571.

ClinVar aggregate classification (germline): Benign/Likely benign. Review status: criteria provided, multiple submitters, no conflicts (2 of 4 stars). 11 submissions from 9 submitters: Benign (8); Likely benign (3). Last evaluated 2026-02-04.

Conditions:
Nephronophthisis. Also called: Juvenile Nephronophthisis. Identifiers: Orphanet 655, MedGen C0687120, MONDO:0019005, HP:0000090.
Renal-hepatic-pancreatic dysplasia 1 (RHPD1). Identifiers: MedGen C3715199, MONDO:0008833, OMIM 208540.
Nephronophthisis 3 (NPHP3). Also called: Adolescent nephronophthisis. Identifiers: Orphanet 655, MedGen C1858392, MONDO:0011456, OMIM 604387.
NPHP3-related Meckel-like syndrome. Also called: GOLDSTON SYNDROME; Meckel syndrome type 7. Identifiers: Orphanet 3032, MedGen C2673885, MONDO:0009966, OMIM 267010.
Focal segmental glomerulosclerosis (FSGS). Also called: Glomerulosclerosis, focal; Focal sclerosis with hyalinosis. Identifiers: MedGen C0017668, MONDO:0100313, HP:0000097. Disease mechanism: loss of function.

Allele frequency attached by ClinVar (database versions not stated): 1000 Genomes Project 0.01278; 1000 Genomes Project 30x 0.01343; TOPMed 0.02796; gnomAD 0.02891 and 0.02974; gnomAD exomes 0.03039 and 0.04088; ExAC 0.03199; ESP Exome Variant Server 0.03337.
gnomAD v4.1: 63,732 of 1,613,306 alleles (4%); highest among the groups gnomAD compares: Non-Finnish European, 4.8%; 1,507 homozygotes.

Submissions (11):

Labcorp Genetics (formerly Invitae), Labcorp
Classification: Benign for Nephronophthisis. Last evaluated: 2026-02-04. Review status: criteria provided, single submitter. Criteria: Invitae Variant Classification Sherloc (09022015). Collection method: clinical testing. Allele origin: germline.

Blueprint Genetics
Classification: Likely benign. Last evaluated: 2024-11-26. Review status: criteria provided, single submitter. Criteria: ACMG Guidelines, 2015. Collection method: clinical testing. Allele origin: germline.

Mayo Clinic Laboratories, Mayo Clinic
Classification: Benign. Last evaluated: 2024-11-08. Review status: criteria provided, single submitter. Criteria: ACMG Guidelines, 2015. Collection method: clinical testing. Allele origin: germline. Observed: 33 variant alleles.
Comment: BA1, BP4, BP7

Genome Diagnostics Laboratory, The Hospital for Sick Children
Classification: Benign for Focal segmental glomerulosclerosis. Last evaluated: 2019-04-01. Review status: criteria provided, single submitter. Criteria: ACMG Guidelines, 2015. Collection method: clinical testing. Allele origin: germline.

Illumina Laboratory Services, Illumina
Classification: Benign for Renal-hepatic-pancreatic dysplasia 1. Last evaluated: 2018-01-13. Review status: criteria provided, single submitter. Criteria: ICSL Variant Classification Criteria 13 December 2019. Collection method: clinical testing. Allele origin: germline.
Comment: This variant was observed in the ICSL laboratory as part of a predisposition screen in an ostensibly healthy population. It had not been previously curated by ICSL or reported in the Human Gene Mutation Database (HGMD: prior to June 1st, 2018), and was therefore a candidate for classification through an automated scoring system. Utilizing variant allele frequency, disease prevalence and penetrance estimates, and inheritance mode, an automated score was calculated to assess if this variant is too frequent to cause the disease. Based on the score and internal cut-off values, a variant classified as benign is not then subjected to further curation. The score for this variant resulted in a classification of benign for this disease.

Illumina Laboratory Services, Illumina
Classification: Benign for Nephronophthisis 3. Last evaluated: 2018-01-13. Review status: criteria provided, single submitter. Criteria: ICSL Variant Classification Criteria 13 December 2019. Collection method: clinical testing. Allele origin: germline.
Comment: the same text as in the submission from Illumina Laboratory Services, Illumina above.

Illumina Laboratory Services, Illumina
Classification: Likely benign for NPHP3-related Meckel-like syndrome. Last evaluated: 2018-01-13. Review status: criteria provided, single submitter. Criteria: ICSL Variant Classification Criteria 13 December 2019. Collection method: clinical testing. Allele origin: germline.
Comment: This variant was observed in the ICSL laboratory as part of a predisposition screen in an ostensibly healthy population. It had not been previously curated by ICSL or reported in the Human Gene Mutation Database (HGMD: prior to June 1st, 2018), and was therefore a candidate for classification through an automated scoring system. Utilizing variant allele frequency, disease prevalence and penetrance estimates, and inheritance mode, an automated score was calculated to assess if this variant is too frequent to cause the disease. Based on the score and internal cut-off values, a variant classified as likely benign is not then subjected to further curation. The score for this variant resulted in a classification of likely benign for this disease.

GeneDx
Classification: Benign. Last evaluated: 2016-02-19. Review status: criteria provided, single submitter. Criteria: GeneDx Variant Classification (06012015). Collection method: clinical testing. Allele origin: germline. Affected: yes.
Comment: This variant is considered likely benign or benign based on one or more of the following criteria: it is a conservative change, it occurs at a poorly conserved position in the protein, it is predicted to be benign by multiple in silico algorithms, and/or has population frequency not consistent with disease.

Eurofins Ntd Llc (ga)
Classification: Benign. Last evaluated: 2013-04-11. Review status: criteria provided, single submitter. Criteria: EGL Classification Definitions 2015. Collection method: clinical testing. Allele origin: germline. Observed: 2 variant alleles, 2 heterozygotes.

Breakthrough Genomics
Classification: Likely benign. Review status: criteria provided, single submitter. Criteria: ACMG Guidelines, 2015. Collection method: not provided. Allele origin: germline. Inheritance: Autosomal recessive inheritance. Affected: yes.

PreventionGenetics, part of Exact Sciences
Classification: Benign. Review status: criteria provided, single submitter. Criteria: ACMG Guidelines, 2015. Collection method: clinical testing. Allele origin: germline.